The following is an entry in ClinVar:

ClinVar aggregate classification (germline): Uncertain significance (1 of 4 stars; one submission).

gnomAD v4.1: 14 of 1,614,038 alleles (0.00087%); highest among the groups gnomAD compares: Non-Finnish European, 0.0012%; no homozygotes.

Submission:

Labcorp Genetics (formerly Invitae), Labcorp
Classification: Uncertain significance. Last evaluated: 2025-08-07. Review status: criteria provided, single submitter. Criteria: Invitae Variant Classification Sherloc (09022015). Collection method: clinical testing. Allele origin: germline.
Comment: This sequence change replaces glycine, which is neutral and non-polar, with serine, which is neutral and polar, at codon 525 of the FAM65B protein (p.Gly525Ser). This variant is present in population databases (rs373153256, gnomAD 0.0009%). This variant has not been reported in the literature in individuals affected with FAM65B-related conditions. An algorithm developed to predict the effect of missense changes on protein structure and function (PolyPhen-2) suggests that this variant is likely to be tolerated. In summary, the available evidence is currently insufficient to determine the role of this variant in disease. Therefore, it has been classified as a Variant of Uncertain Significance.

NM_001286445.3(RIPOR2):c.1510G>A (p.Gly504Ser)

Gene: RIPOR2 (RHO family interacting cell polarization regulator 2; minus strand). Cytogenetic location: 6p22.3.
Variant type: single nucleotide variant.
Coding change: c.1510G>A on transcript NM_001286445.3 (MANE Select); coding-DNA position 1510, G replaced by A.
Protein change: p.Gly504Ser; replaces glycine 504 with serine.
Molecular consequence: missense variant.
Genome position (GRCh38, 1-based): chr6:24,843,209, C>T on the plus strand (G>A on the coding strand, the complement: RIPOR2 is on the minus strand). VCF-style: chr6-24843209-C-T. GRCh37 (hg19) VCF-style: chr6-24843437-C-T.
Other names: c.1525G>A, p.Gly509Ser (NM_001286446.3); c.1423G>A, p.Gly475Ser (NM_001286447.2, NM_001346031.2, NM_001346032.2 and 1 more transcripts); c.1573G>A, p.Gly525Ser (NM_014722.5); short protein forms G475S, G525S, G504S, G509S.
Identifiers: ClinVar variation 4778712 (VCV004778712.1).